The following is an entry in ClinVar:

ClinVar aggregate classification (germline): Uncertain significance (1 of 4 stars; one submission).

Conditions:
Perlman syndrome (PRLMNS). Identifiers: Orphanet 2849, MedGen C0796113, MONDO:0009965, OMIM 267000.

Allele frequency attached by ClinVar (database versions not stated): gnomAD exomes below 0.00001; gnomAD 0.00001; TOPMed 0.00002.
gnomAD v4.1: 5 of 1,613,998 alleles (0.00031%); highest among the groups gnomAD compares: African/African-American, 0.0013%; no homozygotes.

Submission:

Labcorp Genetics (formerly Invitae), Labcorp
Classification: Uncertain significance for Perlman syndrome. Last evaluated: 2024-04-25. Review status: criteria provided, single submitter. Criteria: Invitae Variant Classification Sherloc (09022015). Collection method: clinical testing. Allele origin: germline.
Comment: This sequence change replaces serine, which is neutral and polar, with phenylalanine, which is neutral and non-polar, at codon 154 of the DIS3L2 protein (p.Ser154Phe). This variant is not present in population databases (gnomAD no frequency). This variant has not been reported in the literature in individuals affected with DIS3L2-related conditions. ClinVar contains an entry for this variant (Variation ID: 574859). An algorithm developed to predict the effect of missense changes on protein structure and function (PolyPhen-2) suggests that this variant is likely to be tolerated. In summary, the available evidence is currently insufficient to determine the role of this variant in disease. Therefore, it has been classified as a Variant of Uncertain Significance.

NM_152383.5(DIS3L2):c.461C>T (p.Ser154Phe)

Gene: DIS3L2 (DIS3 like 3'-5' exoribonuclease 2; plus strand). Cytogenetic location: 2q37.1.
Variant type: single nucleotide variant.
Coding change: c.461C>T on transcript NM_152383.5 (MANE Select); coding-DNA position 461, C replaced by T.
Protein change: p.Ser154Phe; replaces serine 154 with phenylalanine.
Molecular consequence: missense variant. On other transcripts: non-coding transcript variant (2).
Genome position (GRCh38, 1-based): chr2:232,087,581, C>T. VCF-style: chr2-232087581-C-T. GRCh37 (hg19) VCF-style: chr2-232952291-C-T.
Other names: c.461C>T, p.Ser154Phe (NM_001257281.2, NM_001257282.2); short protein forms S154F.
Identifiers: ClinVar variation 574859 (VCV000574859.10), dbSNP rs937249326, ClinGen allele CA67506786.